The following is an entry in ClinVar:

NM_138694.4(PKHD1):c.3477C>A (p.Gly1159=)

Gene: PKHD1 (PKHD1 ciliary IPT domain containing fibrocystin/polyductin; minus strand). Cytogenetic location: 6p12.2.
Variant type: single nucleotide variant.
Coding change: c.3477C>A on transcript NM_138694.4 (MANE Select); coding-DNA position 3477, C replaced by A.
Protein change: p.Gly1159=; no amino-acid change (glycine 1159 retained).
Molecular consequence: synonymous variant.
Genome position (GRCh38, 1-based): chr6:52,028,239, G>T on the plus strand (C>A on the coding strand, the complement: PKHD1 is on the minus strand). VCF-style: chr6-52028239-G-T. GRCh37 (hg19) VCF-style: chr6-51893037-G-T.
Other names: c.3477C>A, p.Gly1159= (NM_170724.3).
Identifiers: ClinVar variation 701216 (VCV000701216.12), dbSNP rs1581827926, ClinGen allele CA450615117.

ClinVar aggregate classification (germline): Likely benign. Review status: criteria provided, multiple submitters, no conflicts (2 of 4 stars). 2 submissions from 2 submitters: Likely benign (2). Last evaluated 2025-05-07.

Conditions:
Autosomal recessive polycystic kidney disease (ARPKD). Also called: AR polycystic kidney disease. Identifiers: Orphanet 731, Orphanet 8378, MedGen C0085548, MeSH D017044, MONDO:0009889.
PKHD1-related disorder. Also called: PKHD1-related condition.

Allele frequency attached by ClinVar (database versions not stated): TOPMed 0.00001.

Submissions (2):

PreventionGenetics, part of Exact Sciences
Classification: Likely benign for PKHD1-related condition. Last evaluated: 2025-05-07. Review status: criteria provided, single submitter. Criteria: ACMG Guidelines, 2015. Collection method: clinical testing. Allele origin: germline.
Comment: This variant is classified as likely benign based on ACMG/AMP sequence variant interpretation guidelines (Richards et al. 2015 PMID: 25741868, with internal and published modifications).

Labcorp Genetics (formerly Invitae), Labcorp
Classification: Likely benign for Autosomal recessive polycystic kidney disease. Last evaluated: 2023-08-10. Review status: criteria provided, single submitter. Criteria: Invitae Variant Classification Sherloc (09022015). Collection method: clinical testing. Allele origin: germline.